The following is an entry in ClinVar:

NM_002693.3(POLG):c.3482+1G>T

Gene: POLG (DNA polymerase gamma, catalytic subunit; minus strand). Cytogenetic location: 15q26.1.
Variant type: single nucleotide variant.
Coding change: c.3482+1G>T on transcript NM_002693.3 (MANE Select); the canonical splice donor site of the intron after coding-DNA position 3482, G replaced by T.
Molecular consequence: splice donor variant.
Genome position (GRCh38, 1-based): chr15:89,318,540, C>A on the plus strand (G>T on the coding strand, the complement: POLG is on the minus strand). VCF-style: chr15-89318540-C-A. GRCh37 (hg19) VCF-style: chr15-89861771-C-A.
Other names: c.3482+1G>T (NM_001126131.2).
Identifiers: ClinVar variation 3013692 (VCV003013692.3), dbSNP rs2509201560, ClinGen allele CA393749639.

ClinVar aggregate classification (germline): Pathogenic (1 of 4 stars; one submission).

Conditions:
Progressive sclerosing poliodystrophy (MTDPS4A). Also called: Mitochondrial DNA Depletion Syndrome 4A; ALPERS PROGRESSIVE INFANTILE POLIODYSTROPHY; NEURONAL DEGENERATION OF CHILDHOOD WITH LIVER DISEASE, PROGRESSIVE; Mitochondrial DNA depletion syndrome 4A (Alpers type); Alpers Syndrome; ALPERS DIFFUSE DEGENERATION OF CEREBRAL GRAY MATTER WITH HEPATIC CIRRHOSIS. Identifiers: Orphanet 726, MedGen C0205710, MONDO:0008758, OMIM 203700.

Allele frequency attached by ClinVar (database versions not stated): gnomAD exomes below 0.00001.

Submission:

Labcorp Genetics (formerly Invitae), Labcorp
Classification: Pathogenic for Progressive sclerosing poliodystrophy. Last evaluated: 2023-06-28. Review status: criteria provided, single submitter. Criteria: Invitae Variant Classification Sherloc (09022015). Collection method: clinical testing. Allele origin: germline.
Comment: For these reasons, this variant has been classified as Pathogenic. Algorithms developed to predict the effect of sequence changes on RNA splicing suggest that this variant may disrupt the consensus splice site. Disruption of this splice site has been observed in individual(s) with autosomal recessive Alpers syndrome (PMID: 15689359). In at least one individual the data is consistent with being in trans (on the opposite chromosome) from a pathogenic variant. This variant is not present in population databases (gnomAD no frequency). This sequence change affects a donor splice site in intron 21 of the POLG gene. It is expected to disrupt RNA splicing. Variants that disrupt the donor or acceptor splice site typically lead to a loss of protein function (PMID: 16199547), and loss-of-function variants in POLG are known to be pathogenic (PMID: 18546365).

Literature cited by the submitters: PubMed 15689359; PubMed 16199547; PubMed 18546365.